The following is an entry in ClinVar:

ClinVar aggregate classification (germline): Uncertain significance (1 of 4 stars; one submission).

Submission:

Labcorp Genetics (formerly Invitae), Labcorp
Classification: Uncertain significance. Last evaluated: 2022-03-29. Review status: criteria provided, single submitter. Criteria: Invitae Variant Classification Sherloc (09022015). Collection method: clinical testing. Allele origin: germline.
Comment: In summary, the available evidence is currently insufficient to determine the role of this variant in disease. Therefore, it has been classified as a Variant of Uncertain Significance. Experimental studies and prediction algorithms are not available or were not evaluated, and the functional significance of this variant is currently unknown. This variant has not been reported in the literature in individuals affected with SAMD11-related conditions. This variant results in a copy number gain of the genomic region encompassing exon(s) 12-14 of the SAMD11 gene. This region includes the termination codon of the gene. This copy number gain extends beyond the assayed region for this gene and therefore may encompass additional genes. As the precise location of this event is unknown, it may be in tandem or it may be located elsewhere in the genome.

NC_000001.10:g.(?_878613)_(879533_?)dup

Gene: SAMD11 (sterile alpha motif domain containing 11; plus strand). Cytogenetic location: 1p36.33.
Variant type: Duplication.
Identifiers: ClinVar variation 2427389 (VCV002427389.4).